The following is an entry in ClinVar:

NM_024063.3(AFG2B):c.1079T>C (p.Phe360Ser)

Gene: AFG2B (AFG2 AAA ATPase homolog B; plus strand). Cytogenetic location: 15q21.1.
Variant type: single nucleotide variant.
Coding change: c.1079T>C on transcript NM_024063.3 (MANE Select); coding-DNA position 1079, T replaced by C.
Protein change: p.Phe360Ser; replaces phenylalanine 360 with serine.
Molecular consequence: missense variant. On other transcripts: non-coding transcript variant (5).
Genome position (GRCh38, 1-based): chr15:45,403,508, T>C. VCF-style: chr15-45403508-T-C. GRCh37 (hg19) VCF-style: chr15-45695706-T-C.
Other names: c.1079T>C, p.Phe360Ser (NM_001323640.2); short protein forms F360S.
Identifiers: ClinVar variation 1275863 (VCV001275863.1), dbSNP rs766776373, ClinGen allele CA392264566.

ClinVar aggregate classification (germline): Uncertain significance (1 of 4 stars; one submission).

gnomAD v4.1: 1 of 1,602,912 alleles (0.000062%); highest among the groups gnomAD compares: Non-Finnish European, 0.000085%; no homozygotes.

Submission:

GeneDx
Classification: Uncertain significance. Last evaluated: 2021-07-23. Review status: criteria provided, single submitter. Criteria: GeneDx Variant Classification Process June 2021. Collection method: clinical testing. Allele origin: germline. Affected: yes.
Comment: In silico analysis supports that this missense variant has a deleterious effect on protein structure/function; Not observed at significant frequency in large population cohorts (Lek et al., 2016)